The following is an entry in ClinVar:

ClinVar aggregate classification (germline): Benign. Review status: criteria provided, multiple submitters, no conflicts (2 of 4 stars). 8 submissions from 8 submitters: Benign (8). Last evaluated 2026-02-04.

Conditions:
Fibrous dysplasia of jaw (CRBM). Also called: Cherubism. Identifiers: Orphanet 184, MedGen C0008029, MONDO:0007315, OMIM 118400.

Allele frequency attached by ClinVar (database versions not stated): gnomAD exomes 0.08854 and 0.07489; ESP Exome Variant Server 0.11887; gnomAD 0.12378 and 0.12581; TOPMed 0.13662; 1000 Genomes Project 0.14677; ExAC 0.15272; 1000 Genomes Project 30x 0.15397.
gnomAD v4.1: 126,227 of 1,580,238 alleles (8%); highest among the groups gnomAD compares: African/African-American, 27%; 6,933 homozygotes.

Submissions (8):

Labcorp Genetics (formerly Invitae), Labcorp
Classification: Benign for Fibrous dysplasia of jaw. Last evaluated: 2026-02-04. Review status: criteria provided, single submitter. Criteria: Invitae Variant Classification Sherloc (09022015). Collection method: clinical testing. Allele origin: germline.

Women's Health and Genetics/Laboratory Corporation of America, LabCorp
Classification: Benign. Last evaluated: 2026-01-21. Review status: criteria provided, single submitter. Criteria: LabCorp Variant Classification Summary - May 2015. Collection method: clinical testing. Allele origin: germline.

Unidad de Genómica Garrahan, Hospital de Pediatría Garrahan
Classification: Benign. Last evaluated: 2023-11-12. Review status: criteria provided, single submitter. Criteria: ACMG Guidelines, 2015. Collection method: clinical testing. Allele origin: germline. Affected: no. Observed: 20 variant alleles.
Comment: This variant is classified as Benign based on local population frequency. This variant was detected in 21% of patients studied by a panel of primary immunodeficiencies. Number of patients: 20. Only high quality variants are reported.

GeneDx
Classification: Benign. Last evaluated: 2021-05-04. Review status: criteria provided, single submitter. Criteria: GeneDx Variant Classification Process June 2021. Collection method: clinical testing. Allele origin: germline. Affected: yes.

Mayo Clinic Laboratories, Mayo Clinic
Classification: Benign. Last evaluated: 2018-05-29. Review status: criteria provided, single submitter. Criteria: ACMG Guidelines, 2015. Collection method: clinical testing. Allele origin: germline. Observed: 169 variant alleles.

Illumina Laboratory Services, Illumina
Classification: Benign for Fibrous dysplasia of jaw. Last evaluated: 2018-01-13. Review status: criteria provided, single submitter. Criteria: ICSL Variant Classification Criteria 13 December 2019. Collection method: clinical testing. Allele origin: germline.
Comment: This variant was observed in the ICSL laboratory as part of a predisposition screen in an ostensibly healthy population. It had not been previously curated by ICSL or reported in the Human Gene Mutation Database (HGMD: prior to June 1st, 2018), and was therefore a candidate for classification through an automated scoring system. Utilizing variant allele frequency, disease prevalence and penetrance estimates, and inheritance mode, an automated score was calculated to assess if this variant is too frequent to cause the disease. Based on the score and internal cut-off values, a variant classified as benign is not then subjected to further curation. The score for this variant resulted in a classification of benign for this disease.

Breakthrough Genomics
Classification: Benign. Review status: criteria provided, single submitter. Criteria: ACMG Guidelines, 2015. Collection method: not provided. Allele origin: germline. Inheritance: Autosomal dominant inheritance. Affected: yes.

PreventionGenetics, part of Exact Sciences
Classification: Benign. Review status: criteria provided, single submitter. Criteria: ACMG Guidelines, 2015. Collection method: clinical testing. Allele origin: germline.

NM_001122681.2(SH3BP2):c.417C>G (p.Pro139=)

Gene: SH3BP2 (SH3 domain binding protein 2; plus strand). Cytogenetic location: 4p16.3.
Variant type: single nucleotide variant.
Coding change: c.417C>G on transcript NM_001122681.2 (MANE Select); coding-DNA position 417, C replaced by G.
Protein change: p.Pro139=; no amino-acid change (proline 139 retained).
Molecular consequence: synonymous variant.
Genome position (GRCh38, 1-based): chr4:2,825,185, C>G. VCF-style: chr4-2825185-C-G. GRCh37 (hg19) VCF-style: chr4-2826912-C-G.
Other names: p.Pro139=; c.417C>G, p.Pro139= (LRG_1334t1, NM_003023.4); c.501C>G, p.Pro167= (NM_001145855.2, LRG_1334t2); c.588C>G, p.Pro196= (NM_001145856.2).
Identifiers: ClinVar variation 258896 (VCV000258896.20), dbSNP rs16843413, ClinGen allele CA2819068.